The following is an entry in ClinVar:

ClinVar aggregate classification (germline): Uncertain significance (1 of 4 stars; one submission).

Allele frequency attached by ClinVar (database versions not stated): TOPMed 0.00003.

Submission:

Labcorp Genetics (formerly Invitae), Labcorp
Classification: Uncertain significance. Last evaluated: 2022-10-17. Review status: criteria provided, single submitter. Criteria: Invitae Variant Classification Sherloc (09022015). Collection method: clinical testing. Allele origin: germline.
Comment: This sequence change replaces arginine, which is basic and polar, with histidine, which is basic and polar, at codon 179 of the REEP6 protein (p.Arg179His). In summary, the available evidence is currently insufficient to determine the role of this variant in disease. Therefore, it has been classified as a Variant of Uncertain Significance. Experimental studies and prediction algorithms are not available or were not evaluated, and the functional significance of this variant is currently unknown. ClinVar contains an entry for this variant (Variation ID: 1010609). This variant has not been reported in the literature in individuals affected with REEP6-related conditions. The frequency data for this variant in the population databases is considered unreliable, as metrics indicate poor data quality at this position in the gnomAD database.

NM_001329556.3(REEP6):c.536G>A (p.Arg179His)

Gene: REEP6 (receptor accessory protein 6; plus strand). Cytogenetic location: 19p13.3.
Variant type: single nucleotide variant.
Coding change: c.536G>A on transcript NM_001329556.3 (MANE Plus Clinical); coding-DNA position 536, G replaced by A.
Protein change: p.Arg179His; replaces arginine 179 with histidine.
Molecular consequence: missense variant. On other transcripts: intron variant (1).
Genome position (GRCh38, 1-based): chr19:1,496,609, G>A. VCF-style: chr19-1496609-G-A. GRCh37 (hg19) VCF-style: chr19-1496608-G-A.
Other names: c.517+156G>A (NM_138393.4); short protein forms R179H.
Identifiers: ClinVar variation 1010609 (VCV001010609.10), dbSNP rs758784184, ClinGen allele CA9047640.
Genomic context (GRCh38, chr19:1,496,609, plus strand): 5'-CTCTCACTGTCCGCCTCTCTCTCTCACGCTTCCGGGAACCAGTCTTGCAGGTCCTGGCCC[G>A]TAGCCGGGCAGGCATCACCCCGGTGGCTGTGGCCGGGCCCTCCACTCCCCTGGAAGCTGA-3'
Protein context (NP_001316485.1, residues 169-189): ITRNVLQVLA[Arg179His]SRAGITPVAV